The following is an entry in ClinVar:

NM_004991.4(MECOM):c.2706C>T (p.Phe902=)

Gene: MECOM (MDS1 and EVI1 complex locus; minus strand). Cytogenetic location: 3q26.2.
Variant type: single nucleotide variant.
Coding change: c.2706C>T on transcript NM_004991.4 (MANE Select); coding-DNA position 2706, C replaced by T.
Protein change: p.Phe902=; no amino-acid change (phenylalanine 902 retained).
Molecular consequence: synonymous variant.
Genome position (GRCh38, 1-based): chr3:169,102,125, G>A on the plus strand (C>T on the coding strand, the complement: MECOM is on the minus strand). VCF-style: chr3-169102125-G-A. GRCh37 (hg19) VCF-style: chr3-168819913-G-A.
Other names: c.2337C>T, p.Phe779= (NM_001105077.4); c.2142C>T, p.Phe714= (NM_001105078.4, NM_001205194.2, NM_001366469.2 and 1 more transcripts); c.2118C>T, p.Phe706= (NM_001163999.2, NM_001366470.2); c.2115C>T, p.Phe705= (NM_001164000.2, NM_001366471.2, NM_001366472.2); c.2679C>T, p.Phe893= (NM_001366466.2); c.2145C>T, p.Phe715= (NM_001366467.2, NM_001366468.2); c.1707C>T, p.Phe569= (NM_001366473.2); c.1143C>T, p.Phe381= (NM_001366474.2).
Identifiers: ClinVar variation 3903092 (VCV003903092.1).

ClinVar aggregate classification (germline): Uncertain significance (1 of 4 stars; one submission).

Submission:

GeneDx
Classification: Uncertain significance. Last evaluated: 2024-12-12. Review status: criteria provided, single submitter. Criteria: GeneDx Variant Classification Process June 2021. Collection method: clinical testing. Allele origin: germline. Affected: yes.
Comment: Not observed at significant frequency in large population cohorts (gnomAD); Has not been previously published as pathogenic or benign to our knowledge; In silico analysis suggests this variant may impact gene splicing. In the absence of RNA/functional studies, the actual effect of this sequence change is unknown.